The following is an entry in ClinVar:

ClinVar aggregate classification (germline): Pathogenic. Review status: criteria provided, multiple submitters, no conflicts (2 of 4 stars). 2 submissions from 2 submitters: Pathogenic (2). Last evaluated 2025-05-23.

Conditions:
Hereditary cancer-predisposing syndrome. Also called: Neoplastic Syndromes, Hereditary; Tumor predisposition; Hereditary neoplastic syndrome; Hereditary Cancer Syndrome. Identifiers: Orphanet 140162, MedGen C0027672, MeSH D009386, MONDO:0015356.
Oligodontia-cancer predisposition syndrome. Also called: TOOTH AGENESIS-COLORECTAL CANCER SYNDROME. Identifiers: Orphanet 300576, MedGen C1837750, MONDO:0012075, OMIM 608615. Disease mechanism: loss of function.

Submissions (2):

Labcorp Genetics (formerly Invitae), Labcorp
Classification: Pathogenic for Oligodontia-cancer predisposition syndrome. Last evaluated: 2025-05-23. Review status: criteria provided, single submitter. Criteria: Invitae Variant Classification Sherloc (09022015). Collection method: clinical testing. Allele origin: germline.
Comment: This sequence change creates a premature translational stop signal (p.Arg256Glufs*13) in the AXIN2 gene. It is expected to result in an absent or disrupted protein product. Loss-of-function variants in AXIN2 are known to be pathogenic (PMID: 15042511, 21416598). This variant is not present in population databases (gnomAD no frequency). This variant has not been reported in the literature in individuals affected with AXIN2-related conditions. ClinVar contains an entry for this variant (Variation ID: 2699065). For these reasons, this variant has been classified as Pathogenic.

Ambry Genetics
Classification: Pathogenic for Hereditary cancer-predisposing syndrome. Last evaluated: 2025-04-01. Review status: criteria provided, single submitter. Criteria: Ambry Variant Classification Scheme 2023. Collection method: clinical testing. Allele origin: germline.
Comment: The c.764dupT pathogenic mutation, located in coding exon 1 of the AXIN2 gene, results from a duplication of T at nucleotide position 764, causing a translational frameshift with a predicted alternate stop codon (p.R256Efs*13). This variant is considered to be rare based on population cohorts in the Genome Aggregation Database (gnomAD). This alteration is expected to result in loss of function by premature protein truncation or nonsense-mediated mRNA decay. As such, this alteration is interpreted as a disease-causing mutation.

Literature cited by the submitters: PubMed 15042511 (cited by Labcorp Genetics (formerly Invitae), Labcorp); PubMed 21416598 (cited by Labcorp Genetics (formerly Invitae), Labcorp).

NM_004655.4(AXIN2):c.764dup (p.Arg256fs)

Gene: AXIN2 (axin 2; minus strand). Cytogenetic location: 17q24.1.
Variant type: Duplication.
Coding change: c.764dup on transcript NM_004655.4 (MANE Select); coding-DNA position 764, one base duplicated (T; older notation c.764dupT).
Protein change: p.Arg256fs; shifts the reading frame from arginine 256.
Molecular consequence: frameshift variant.
Genome position (GRCh38, 1-based): chr17:65,557,857, A duplicated on the plus strand (T on the coding strand, the reverse complement: AXIN2 is on the minus strand). VCF-style (leftmost placement, unchanged base first): chr17-65557856-C-CA. GRCh37 (hg19) VCF-style: chr17-63553974-C-CA.
Other names: c.764dup, p.Arg256fs (NM_001363813.1); c.764dupT (NM_004655.3); short protein forms R256fs.
Identifiers: ClinVar variation 2699065 (VCV002699065.4), dbSNP rs2544247385, ClinGen allele CA2697555074.